The following is an entry in ClinVar:

NM_198880.3(QRICH1):c.1121A>C (p.Glu374Ala)

Gene: QRICH1 (glutamine rich 1; minus strand). Cytogenetic location: 3p21.31.
Variant type: single nucleotide variant.
Coding change: c.1121A>C on transcript NM_198880.3 (MANE Select); coding-DNA position 1121, A replaced by C.
Protein change: p.Glu374Ala; replaces glutamic acid 374 with alanine.
Molecular consequence: missense variant.
Genome position (GRCh38, 1-based): chr3:49,057,079, T>G on the plus strand (A>C on the coding strand, the complement: QRICH1 is on the minus strand). VCF-style: chr3-49057079-T-G. GRCh37 (hg19) VCF-style: chr3-49094512-T-G.
Other names: c.1121A>C, p.Glu374Ala (NM_001320584.1, NM_001320585.1, NM_017730.4 and 4 more transcripts); short protein forms E374A.
Identifiers: ClinVar variation 3897156 (VCV003897156.1).

ClinVar aggregate classification (germline): Uncertain significance (1 of 4 stars; one submission).

Submission:

GeneDx
Classification: Uncertain significance. Last evaluated: 2024-11-05. Review status: criteria provided, single submitter. Criteria: GeneDx Variant Classification Process June 2021. Collection method: clinical testing. Allele origin: germline. Affected: yes.
Comment: Not observed at significant frequency in large population cohorts (gnomAD); In silico analysis indicates that this missense variant does not alter protein structure/function; Has not been previously published as pathogenic or benign to our knowledge